The following is an entry in ClinVar:

NM_002296.4(LBR):c.1366C>G (p.Leu456Val)

Gene: LBR (lamin B receptor; minus strand). Cytogenetic location: 1q42.12.
Variant type: single nucleotide variant.
Coding change: c.1366C>G on transcript NM_002296.4 (MANE Select); coding-DNA position 1366, C replaced by G.
Protein change: p.Leu456Val; replaces leucine 456 with valine.
Molecular consequence: missense variant.
Genome position (GRCh38, 1-based): chr1:225,406,781, G>C on the plus strand (C>G on the coding strand, the complement: LBR is on the minus strand). VCF-style: chr1-225406781-G-C. GRCh37 (hg19) VCF-style: chr1-225594483-G-C.
Other names: c.1366C>G, p.Leu456Val (NM_194442.3); short protein forms L456V.
Identifiers: ClinVar variation 426800 (VCV000426800.19), dbSNP rs377110126, ClinGen allele CA1417153.
Genomic context (GRCh38, chr1:225,406,781, plus strand): 5'-CTAAATAAAAGGCTTGGAAGCTGTAAATAAAGGGAACCCACACCAAGTCTCCAAAAGCCA[G>C]CATGAATCCAAATCCATCGTGGATGATGTCCATGGTCGTCAACAACGCTTCCTATAAGGA-3'
Protein context (NP_002287.2, residues 446-466): DIIHDGFGFM[Leu456Val]AFGDLVWVPF

ClinVar aggregate classification (germline): Conflicting classifications of pathogenicity. Review status: criteria provided, conflicting classifications (1 of 4 stars). 6 submissions from 6 submitters: Pathogenic (1); Likely pathogenic (1); Uncertain significance (3). 1 of the submissions does not count toward it. Last evaluated 2026-07-16.

Conditions:
LBR-related disorder. Also called: LBR-related disorders; LBR-related condition.
RHIZOMELIC SKELETAL DYSPLASIA WITHOUT PELGER-HUET ANOMALY.
Greenberg dysplasia (GRBGD). Also called: CHONDRODYSTROPHY, HYDROPIC AND PRENATALLY LETHAL TYPE; HEM SKELETAL DYSPLASIA; MOTH-EATEN SKELETAL DYSPLASIA. Identifiers: Orphanet 1426, MedGen C2931048, MONDO:0008974, OMIM 215140.
Regressive spondylometaphyseal dysplasia. Also called: PELGER-HUET ANOMALY WITH MILD SKELETAL ANOMALIES. Identifiers: Orphanet 448267, MedGen C4747922, MONDO:0018663, OMIM 618019.
Reynolds syndrome. Also called: PRIMARY BILIARY CIRRHOSIS, SCLERODERMA, RAYNAUD DISEASE, AND TELANGIECTASIA. Identifiers: Orphanet 779, MedGen C0748397, MONDO:0013276, OMIM 613471.
Pelger-Huët anomaly (PHA). Also called: Pelger-Huet Anomaly. Identifiers: MedGen C0030779, MONDO:0008214, OMIM 169400.
Connective tissue disorder. Also called: Connective tissue disease. Identifiers: MedGen C0009782, MONDO:0003900.

Allele frequency attached by ClinVar (database versions not stated): TOPMed below 0.00001; ExAC 0.00001; gnomAD 0.00001; gnomAD exomes 0.00001 and 0.00004; ESP Exome Variant Server 0.00008.
gnomAD v4.1: 25 of 1,614,090 alleles (0.0015%); highest among the groups gnomAD compares: Non-Finnish European, 0.0021%; no homozygotes.

Submissions (6):

GeneDx
Classification: Likely pathogenic. Last evaluated: 2026-07-16. Review status: criteria provided, single submitter. Criteria: GeneDx Variant Classification Process June 2021. Collection method: clinical testing. Allele origin: germline.
Comment: In silico analysis supports that this missense variant has a deleterious effect on protein structure/function; Not observed at a significant frequency in large population cohorts (gnomAD); This variant is associated with the following publications: (PMID: 32827848, 41059452)

Blueprint Genetics
Classification: Pathogenic for LBR-related disorders. Last evaluated: 2024-10-15. Review status: criteria provided, single submitter. Criteria: ACMG Guidelines, 2015. Collection method: clinical testing. Allele origin: germline. Affected: yes. Observed: 5 variant alleles.

Labcorp Genetics (formerly Invitae), Labcorp
Classification: Uncertain significance. Last evaluated: 2024-02-24. Review status: criteria provided, single submitter. Criteria: Invitae Variant Classification Sherloc (09022015). Collection method: clinical testing. Allele origin: germline.
Comment: This sequence change replaces leucine, which is neutral and non-polar, with valine, which is neutral and non-polar, at codon 456 of the LBR protein (p.Leu456Val). This variant is present in population databases (rs377110126, gnomAD 0.003%). This missense change has been observed in individual(s) with autosomal recessive LBR-related conditions (PMID: 32827848). ClinVar contains an entry for this variant (Variation ID: 426800). Advanced modeling of protein sequence and biophysical properties (such as structural, functional, and spatial information, amino acid conservation, physicochemical variation, residue mobility, and thermodynamic stability) performed at Invitae indicates that this missense variant is expected to disrupt LBR protein function with a positive predictive value of 80%. In summary, the available evidence is currently insufficient to determine the role of this variant in disease. Therefore, it has been classified as a Variant of Uncertain Significance.

Genome Diagnostics Laboratory, The Hospital for Sick Children
Classification: Uncertain significance for Connective tissue disorder. Last evaluated: 2019-04-01. Review status: criteria provided, single submitter. Criteria: ACMG Guidelines, 2015. Collection method: clinical testing. Allele origin: germline.

Fulgent Genetics
Classification: Uncertain significance for Pelger-Huët anomaly; Greenberg dysplasia; Reynolds syndrome; Regressive spondylometaphyseal dysplasia. Last evaluated: 2018-10-31. Review status: criteria provided, single submitter. Criteria: ACMG Guidelines, 2015. Collection method: clinical testing. Allele origin: unknown.

OMIM
Classification: Pathogenic for RHIZOMELIC SKELETAL DYSPLASIA WITHOUT PELGER-HUET ANOMALY. Last evaluated: 2022-03-17. Review status: no assertion criteria provided. Collection method: literature only. Allele origin: germline. Not counted in ClinVar's aggregate classification.

Literature cited by the submitters: PubMed 32827848 (cited by Labcorp Genetics (formerly Invitae), Labcorp and OMIM).